The following is an entry in ClinVar:

NM_016038.2(SBDS):c.625-1delG

Gene: SBDS (SBDS ribosome maturation factor; minus strand). Cytogenetic location: 7q11.21.
Variant type: Deletion.
Coding change: c.625-1delG on transcript NM_016038.2; the canonical splice acceptor site of the intron before coding-DNA position 625, one base deleted (G).
Genome position (GRCh38, 1-based): chr7:66,988,499, C deleted on the plus strand (G on the coding strand, the reverse complement: SBDS is on the minus strand); the first of 2 consecutive C bases (chr7:66,988,499-66,988,500); deleting either gives the same sequence. VCF-style (leftmost placement, unchanged base first): chr7-66988498-AC-A. GRCh37 (hg19) VCF-style: chr7-66453485-AC-A.
Identifiers: ClinVar variation 1033391 (VCV001033391.3), dbSNP rs1792914342, ClinGen allele CA1714369709.

ClinVar aggregate classification (germline): Pathogenic (1 of 4 stars; one submission).

Conditions:
Shwachman-Diamond syndrome 1 (SDS1). Also called: LIPOMATOSIS OF PANCREAS, CONGENITAL. Identifiers: MedGen C4692625, MONDO:0044204, OMIM 260400.

Submission:

Baylor Genetics
Classification: Pathogenic for Shwachman-Diamond syndrome 1. Last evaluated: 2018-09-20. Review status: criteria provided, single submitter. Criteria: ACMG Guidelines, 2015. Collection method: clinical testing. Allele origin: paternal. Affected: yes.
Comment: This variant was determined to be pathogenic according to ACMG Guidelines, 2015 [PMID:25741868].